The following is an entry in ClinVar:

NM_014639.4(SKIC3):c.2435A>G (p.His812Arg)

Gene: SKIC3 (SKI3 subunit of superkiller complex; minus strand). Cytogenetic location: 5q15.
Variant type: single nucleotide variant.
Coding change: c.2435A>G on transcript NM_014639.4 (MANE Select); coding-DNA position 2435, A replaced by G.
Protein change: p.His812Arg; replaces histidine 812 with arginine.
Molecular consequence: missense variant.
Genome position (GRCh38, 1-based): chr5:95,516,917, T>C on the plus strand (A>G on the coding strand, the complement: SKIC3 is on the minus strand). VCF-style: chr5-95516917-T-C. GRCh37 (hg19) VCF-style: chr5-94852621-T-C.
Other names: short protein forms H812R.
Identifiers: ClinVar variation 1507566 (VCV001507566.7), dbSNP rs780710459, ClinGen allele CA3347089.
Genomic context (GRCh38, chr5:95,516,917, plus strand): 5'-ACTTCGAGAAAAGCATTATGTTTTTGAAAAGGTTTATAAAAAATTTATTTATACCATACA[T>C]GTAAAGATTTCTCCAGCAACTCCTTAAGATCATTCATGTTGCTGCCTGTTTCTGCTAGAT-3'
Protein context (NP_055454.1, residues 802-822): DLKELLEKSL[His812Arg]CLKKAVRLDS

ClinVar aggregate classification (germline): Uncertain significance. Review status: criteria provided, multiple submitters, no conflicts (2 of 4 stars). 2 submissions from 2 submitters: Uncertain significance (2). Last evaluated 2025-11-26.

Allele frequency attached by ClinVar (database versions not stated): gnomAD exomes 0.00001; TOPMed 0.00002.
gnomAD v4.1: 21 of 1,594,434 alleles (0.0013%); highest among the groups gnomAD compares: East Asian, 0.032%; no homozygotes.

Submissions (2):

Labcorp Genetics (formerly Invitae), Labcorp
Classification: Uncertain significance. Last evaluated: 2025-11-26. Review status: criteria provided, single submitter. Criteria: Invitae Variant Classification Sherloc (09022015). Collection method: clinical testing. Allele origin: germline.
Comment: This sequence change replaces histidine, which is basic and polar, with arginine, which is basic and polar, at codon 812 of the TTC37 protein (p.His812Arg). This variant is present in population databases (rs780710459, gnomAD 0.08%). This variant has not been reported in the literature in individuals affected with TTC37-related conditions. ClinVar contains an entry for this variant (Variation ID: 1507566). An algorithm developed to predict the effect of missense changes on protein structure and function (PolyPhen-2) suggests that this variant is likely to be tolerated. Algorithms developed to predict the effect of sequence changes on RNA splicing suggest that this variant may disrupt the consensus splice site. In summary, the available evidence is currently insufficient to determine the role of this variant in disease. Therefore, it has been classified as a Variant of Uncertain Significance.

Blueprint Genetics
Classification: Uncertain significance. Last evaluated: 2022-08-22. Review status: criteria provided, single submitter. Criteria: ACMG Guidelines, 2015. Collection method: clinical testing. Allele origin: germline.